The following is an entry in ClinVar:

NM_001177693.2(ARHGEF28):c.4960T>C (p.Ser1654Pro)

Gene: ARHGEF28 (Rho guanine nucleotide exchange factor 28; plus strand). Cytogenetic location: 5q13.2.
Variant type: single nucleotide variant.
Coding change: c.4960T>C on transcript NM_001177693.2 (MANE Select); coding-DNA position 4960, T replaced by C.
Protein change: p.Ser1654Pro; replaces serine 1654 with proline.
Molecular consequence: missense variant.
Genome position (GRCh38, 1-based): chr5:73,940,855, T>C. VCF-style: chr5-73940855-T-C. GRCh37 (hg19) VCF-style: chr5-73236680-T-C.
Other names: c.5038T>C, p.Ser1680Pro (NM_001080479.3); c.4021T>C, p.Ser1341Pro (NM_001244364.2); c.4666T>C, p.Ser1556Pro (NM_001388076.1); short protein forms S1680P, S1341P, S1654P, S1556P.
Identifiers: ClinVar variation 773699 (VCV000773699.8), dbSNP rs282414, ClinGen allele CA3305473.

ClinVar aggregate classification (germline): Benign. Review status: criteria provided, multiple submitters, no conflicts (2 of 4 stars). 4 submissions from 4 submitters: Benign (3). 1 of the submissions does not count toward it. Last evaluated 2021-06-09.

Conditions:
ARHGEF28-related disorder. Also called: ARHGEF28-related condition.

Allele frequency attached by ClinVar (database versions not stated): gnomAD 0.00476 and 0.00680; gnomAD exomes 0.00508 and 0.01048; ExAC 0.00600; TOPMed 0.00716; 1000 Genomes Project 30x 0.02858; 1000 Genomes Project 0.03275.
gnomAD v4.1: 8,171 of 1,515,372 alleles (0.54%); highest among the groups gnomAD compares: East Asian, 17%; 628 homozygotes.

Submissions (4):

GeneDx
Classification: Benign. Last evaluated: 2021-06-09. Review status: criteria provided, single submitter. Criteria: GeneDx Variant Classification Process June 2021. Collection method: clinical testing. Allele origin: germline. Affected: yes.

Labcorp Genetics (formerly Invitae), Labcorp
Classification: Benign. Last evaluated: 2019-12-31. Review status: criteria provided, single submitter. Criteria: Invitae Variant Classification Sherloc (09022015). Collection method: clinical testing. Allele origin: germline.

Breakthrough Genomics
Classification: Benign. Review status: criteria provided, single submitter. Criteria: ACMG Guidelines, 2015. Collection method: not provided. Allele origin: germline. Inheritance: Unknown mechanism. Affected: yes.

PreventionGenetics, part of Exact Sciences
Classification: Benign for ARHGEF28-related condition. Last evaluated: 2019-07-18. Review status: no assertion criteria provided. Collection method: clinical testing. Allele origin: germline. Not counted in ClinVar's aggregate classification.
Comment: This variant is classified as benign based on ACMG/AMP sequence variant interpretation guidelines (Richards et al. 2015 PMID: 25741868, with internal and published modifications).